The following is an entry in ClinVar:

NM_002224.4(ITPR3):c.3161T>C (p.Met1054Thr)

Gene: ITPR3 (inositol 1,4,5-trisphosphate receptor type 3; plus strand). Cytogenetic location: 6p21.31.
Variant type: single nucleotide variant.
Coding change: c.3161T>C on transcript NM_002224.4 (MANE Select); coding-DNA position 3161, T replaced by C.
Protein change: p.Met1054Thr; replaces methionine 1054 with threonine.
Molecular consequence: missense variant.
Genome position (GRCh38, 1-based): chr6:33,675,735, T>C. VCF-style: chr6-33675735-T-C. GRCh37 (hg19) VCF-style: chr6-33643512-T-C.
Other names: short protein forms M1054T.
Identifiers: ClinVar variation 779907 (VCV000779907.6), dbSNP rs200220211, ClinGen allele CA3760851.
Genomic context (GRCh38, chr6:33,675,735, plus strand): 5'-ACCCTTGTGCCCGCAGGAAGACAAGCAGCATGCTGGAGGTGGATGACGAGGGCGGCCGCA[T>C]GTTCCTGCGCGTGCTCATCCACCTCACCATGCACGACTATGCGCCGCTGGTCTCGGGTGC-3'
Protein context (NP_002215.2, residues 1044-1064): MLEVDDEGGR[Met1054Thr]FLRVLIHLTM

ClinVar aggregate classification (germline): Benign. Review status: criteria provided, single submitter (1 of 4 stars). 2 submissions from 2 submitters: Benign (1). 1 of the submissions does not count toward it. Last evaluated 2019-12-31.

Conditions:
ITPR3-related disorder. Also called: ITPR3-related condition.

Allele frequency attached by ClinVar (database versions not stated): gnomAD exomes 0.00013 and 0.00087; gnomAD 0.00038 and 0.00046; TOPMed 0.00051; ExAC 0.00074; 1000 Genomes Project 0.00140; 1000 Genomes Project 30x 0.00141.

Submissions (2):

Labcorp Genetics (formerly Invitae), Labcorp
Classification: Benign. Last evaluated: 2019-12-31. Review status: criteria provided, single submitter. Criteria: Invitae Variant Classification Sherloc (09022015). Collection method: clinical testing. Allele origin: germline.

PreventionGenetics, part of Exact Sciences
Classification: Benign for ITPR3-related condition. Last evaluated: 2019-05-23. Review status: no assertion criteria provided. Collection method: clinical testing. Allele origin: germline. Not counted in ClinVar's aggregate classification.
Comment: This variant is classified as benign based on ACMG/AMP sequence variant interpretation guidelines (Richards et al. 2015 PMID: 25741868, with internal and published modifications).